The following is an entry in ClinVar:

NM_001018005.2(TPM1):c.-15C>G

Gene: TPM1 (tropomyosin 1; plus strand). Cytogenetic location: 15q22.2.
Variant type: single nucleotide variant.
Coding change: c.-15C>G on transcript NM_001018005.2 (MANE Select); 15 bases upstream of the start codon, C replaced by G.
Molecular consequence: 5 prime UTR variant. On other transcripts: non-coding transcript variant (11).
Genome position (GRCh38, 1-based): chr15:63,042,815, C>G. VCF-style: chr15-63042815-C-G. GRCh37 (hg19) VCF-style: chr15-63335014-C-G.
Other names: c.-15C>G (NM_000366.6, NM_001018004.2, NM_001018006.2 and 24 more transcripts).
Identifiers: ClinVar variation 2774656 (VCV002774656.2), dbSNP rs2542411374, ClinGen allele CA2628843287.

ClinVar aggregate classification (germline): Uncertain significance (1 of 4 stars; one submission).

Conditions:
Cardiomyopathy (CMYO). Also called: Cardiomyopathies. Identifiers: Orphanet 167848, MedGen C0878544, MONDO:0004994, HP:0001638. Inheritance: Various modes of inheritance.

gnomAD v4.1: 2 of 1,610,840 alleles (0.00012%); highest among the groups gnomAD compares: Non-Finnish European, 0.000085%; no homozygotes.

Submission:

Color Diagnostics, LLC DBA Color Health
Classification: Uncertain significance for Cardiomyopathy. Last evaluated: 2021-09-14. Review status: criteria provided, single submitter. Criteria: ACMG Guidelines, 2015. Collection method: clinical testing. Allele origin: germline.
Comment: This variant changes 1 nucleotide in the 5' untranslated region of the TPM1 gene. To our knowledge, functional studies have not been reported for this variant. This variant has not been reported in individuals affected with cardiovascular disorders in the literature. This variant has not been identified in the general population by the Genome Aggregation Database (gnomAD). The available evidence is insufficient to determine the role of this variant in disease conclusively. Therefore, this variant is classified as a Variant of Uncertain Significance.